The following is an entry in ClinVar:

ClinVar aggregate classification (germline): Uncertain significance (1 of 4 stars; one submission).

Conditions:
Aniridia 1 (AN1). Identifiers: Orphanet 250923, MedGen C0344542, MONDO:0024507, OMIM 106210.
Irido-corneo-trabecular dysgenesis (ASGD5). Also called: ANTERIOR SEGMENT DYSGENESIS 5. Identifiers: Orphanet 708, MedGen C0344559, MONDO:0011414, OMIM 604229, HP:0000659.

Submission:

Labcorp Genetics (formerly Invitae), Labcorp
Classification: Uncertain significance for Aniridia 1; Irido-corneo-trabecular dysgenesis. Last evaluated: 2023-07-10. Review status: criteria provided, single submitter. Criteria: Invitae Variant Classification Sherloc (09022015). Collection method: clinical testing. Allele origin: germline.
Comment: In summary, the available evidence is currently insufficient to determine the role of this variant in disease. Therefore, it has been classified as a Variant of Uncertain Significance. This variant disrupts the p.Ile42 amino acid residue in PAX6. Other variant(s) that disrupt this residue have been observed in individuals with PAX6-related conditions (PMID: 10234503), which suggests that this may be a clinically significant amino acid residue. Advanced modeling of protein sequence and biophysical properties (such as structural, functional, and spatial information, amino acid conservation, physicochemical variation, residue mobility, and thermodynamic stability) performed at Invitae indicates that this missense variant is not expected to disrupt PAX6 protein function. This missense change has been observed in individual(s) with aniridia (Invitae). This variant is not present in population databases (gnomAD no frequency). This sequence change replaces isoleucine, which is neutral and non-polar, with leucine, which is neutral and non-polar, at codon 42 of the PAX6 protein (p.Ile42Leu).

Literature cited by the submitters: PubMed 10234503.

NM_001368894.2(PAX6):c.124A>C (p.Ile42Leu)

Gene: PAX6 (paired box 6; minus strand). Cytogenetic location: 11p13.
Variant type: single nucleotide variant.
Coding change: c.124A>C on transcript NM_001368894.2 (MANE Select); coding-DNA position 124, A replaced by C.
Protein change: p.Ile42Leu; replaces isoleucine 42 with leucine.
Molecular consequence: missense variant. On other transcripts: 5 prime UTR variant (12), non-coding transcript variant (2), intron variant (2).
Genome position (GRCh38, 1-based): chr11:31,802,721, T>G on the plus strand (A>C on the coding strand, the complement: PAX6 is on the minus strand). VCF-style: chr11-31802721-T-G. GRCh37 (hg19) VCF-style: chr11-31824269-T-G.
Other names: c.124A>C, p.Ile42Leu (NM_000280.6, NM_001127612.3, NM_001258462.3 and 30 more transcripts); c.-658A>C (NM_001310160.2, NM_001368905.2); c.-327A>C (NM_001310161.3, NM_001368900.2, NM_001368903.2 and 2 more transcripts); c.-285A>C (NM_001368899.2, NM_001368901.2, NM_001368906.2 and 1 more transcripts); c.-616A>C (NM_001368902.2); c.367A>C, p.Ile123Leu (NM_001368910.2); c.127A>C, p.Ile43Leu (NM_001368911.2); c.-267-945A>C (NM_001368909.2, NM_001368904.2); short protein forms I123L, I42L, I43L.
Identifiers: ClinVar variation 2949750 (VCV002949750.3), dbSNP rs2496286886, ClinGen allele CA379959494.